The following is an entry in ClinVar:

ClinVar aggregate classification (germline): Uncertain significance (1 of 4 stars; one submission).

Conditions:
Evans syndrome, immunodeficiency, and premature immunosenescence associated with tripeptidyl-peptidase II deficiency. Identifiers: MedGen CN231723. Disease mechanism: loss of function.

Submission:

Labcorp Genetics (formerly Invitae), Labcorp
Classification: Uncertain significance for Evans syndrome, immunodeficiency, and premature immunosenescence associated with tripeptidyl-peptidase II deficiency. Last evaluated: 2024-10-24. Review status: criteria provided, single submitter. Criteria: Invitae Variant Classification Sherloc (09022015). Collection method: clinical testing. Allele origin: germline.
Comment: This sequence change replaces isoleucine, which is neutral and non-polar, with valine, which is neutral and non-polar, at codon 40 of the TPP2 protein (p.Ile40Val). This variant is not present in population databases (gnomAD no frequency). This variant has not been reported in the literature in individuals affected with TPP2-related conditions. ClinVar contains an entry for this variant (Variation ID: 1505887). An algorithm developed to predict the effect of missense changes on protein structure and function outputs the following: PolyPhen-2: "Benign". The valine amino acid residue is found in multiple mammalian species, which suggests that this missense change does not adversely affect protein function. In summary, the available evidence is currently insufficient to determine the role of this variant in disease. Therefore, it has been classified as a Variant of Uncertain Significance.

NM_001330588.2(TPP2):c.118A>G (p.Ile40Val)

Gene: TPP2 (tripeptidyl peptidase 2; plus strand). Cytogenetic location: 13q33.1.
Variant type: single nucleotide variant.
Coding change: c.118A>G on transcript NM_001330588.2 (MANE Select); coding-DNA position 118, A replaced by G.
Protein change: p.Ile40Val; replaces isoleucine 40 with valine.
Molecular consequence: missense variant. On other transcripts: non-coding transcript variant (1).
Genome position (GRCh38, 1-based): chr13:102,597,156, A>G. VCF-style: chr13-102597156-A-G. GRCh37 (hg19) VCF-style: chr13-103249506-A-G.
Other names: c.118A>G, p.Ile40Val (NM_001367947.1, NM_003291.4); short protein forms I40V.
Identifiers: ClinVar variation 1505887 (VCV001505887.6), dbSNP rs2139390662, ClinGen allele CA388676675.